The following is an entry in ClinVar:

ClinVar aggregate classification (germline): Conflicting classifications of pathogenicity. Review status: criteria provided, conflicting classifications (1 of 4 stars). 3 submissions from 3 submitters: Pathogenic (1); Uncertain significance (2). Last evaluated 2023-12-09.

Allele frequency attached by ClinVar (database versions not stated): gnomAD exomes 0.00001 and below 0.00001; ExAC 0.00001.
gnomAD v4.1: 2 of 1,612,646 alleles (0.00012%); highest among the groups gnomAD compares: Admixed American, 0.0033%; no homozygotes.

Submissions (3):

Labcorp Genetics (formerly Invitae), Labcorp
Classification: Uncertain significance. Last evaluated: 2023-12-09. Review status: criteria provided, single submitter. Criteria: Invitae Variant Classification Sherloc (09022015). Collection method: clinical testing. Allele origin: germline.
Comment: This sequence change replaces glycine, which is neutral and non-polar, with arginine, which is basic and polar, at codon 2354 of the COL7A1 protein (p.Gly2354Arg). This variant is present in population databases (rs748466015, gnomAD 0.003%). This variant has not been reported in the literature in individuals affected with COL7A1-related conditions. ClinVar contains an entry for this variant (Variation ID: 1202489). Advanced modeling of protein sequence and biophysical properties (such as structural, functional, and spatial information, amino acid conservation, physicochemical variation, residue mobility, and thermodynamic stability) performed at Invitae indicates that this missense variant is expected to disrupt COL7A1 protein function with a positive predictive value of 95%. This variant disrupts the triple helix domain of COL7A1. Glycine residues within the Gly-Xaa-Yaa repeats of the triple helix domain are required for the structure and stability of fibrillar collagens (PMID: 7695699, 8218237, 19344236), and variants at these glycine residues in COL7A1 are more frequently observed in individuals with disease than in the general population (PMID: 22058051). However, the clinical significance of this observation remains uncertain since only a limited number of affected individuals have been described to date. In summary, the available evidence is currently insufficient to determine the role of this variant in disease. Therefore, it has been classified as a Variant of Uncertain Significance.

GeneDx
Classification: Pathogenic. Last evaluated: 2020-08-28. Review status: criteria provided, single submitter. Criteria: GeneDx Variant Classification Process June 2021. Collection method: clinical testing. Allele origin: germline. Affected: yes.
Comment: Has not been previously published as pathogenic or benign to our knowledge; Located in the highly conserved Gly-X-Y repeat of the collagenous domain; Glycine substitution variants in this region of the COLVII protein destabilize the collagen triple helix resulting in skin fragility due to poor anchoring of the basement membrane to the underlying dermis (Pfendner and Lucky, 2018); Not observed at a significant frequency in large population cohorts (Lek et al., 2016); In silico analysis supports that this missense variant has a deleterious effect on protein structure/function

Blueprint Genetics
Classification: Uncertain significance. Last evaluated: 2020-06-11. Review status: criteria provided, single submitter. Criteria: ACMG Guidelines, 2015. Collection method: clinical testing. Allele origin: germline.

Literature cited by the submitters: PubMed 7695699 (cited by Labcorp Genetics (formerly Invitae), Labcorp); PubMed 8218237 (cited by Labcorp Genetics (formerly Invitae), Labcorp); PubMed 19344236 (cited by Labcorp Genetics (formerly Invitae), Labcorp); PubMed 22058051 (cited by Labcorp Genetics (formerly Invitae), Labcorp).

NM_000094.4(COL7A1):c.7060G>C (p.Gly2354Arg)

Gene: COL7A1 (collagen type VII alpha 1 chain; minus strand). Cytogenetic location: 3p21.31.
Variant type: single nucleotide variant.
Coding change: c.7060G>C on transcript NM_000094.4 (MANE Select); coding-DNA position 7060, G replaced by C.
Protein change: p.Gly2354Arg; replaces glycine 2354 with arginine.
Molecular consequence: missense variant.
Genome position (GRCh38, 1-based): chr3:48,572,009, C>G on the plus strand (G>C on the coding strand, the complement: COL7A1 is on the minus strand). VCF-style: chr3-48572009-C-G. GRCh37 (hg19) VCF-style: chr3-48609442-C-G.
Other names: short protein forms G2354R.
Identifiers: ClinVar variation 1202489 (VCV001202489.7), dbSNP rs748466015, ClinGen allele CA2378701.